The following is an entry in ClinVar:

NM_133433.4(NIPBL):c.6962C>T (p.Pro2321Leu)

Gene: NIPBL (NIPBL cohesin loading factor; plus strand). Cytogenetic location: 5p13.2.
Variant type: single nucleotide variant.
Coding change: c.6962C>T on transcript NM_133433.4 (MANE Select); coding-DNA position 6962, C replaced by T.
Protein change: p.Pro2321Leu; replaces proline 2321 with leucine.
Molecular consequence: missense variant.
Genome position (GRCh38, 1-based): chr5:37,051,786, C>T. VCF-style: chr5-37051786-C-T. GRCh37 (hg19) VCF-style: chr5-37051888-C-T.
Other names: c.6962C>T, p.Pro2321Leu (NM_015384.5); short protein forms P2321L.
Identifiers: ClinVar variation 424011 (VCV000424011.6), dbSNP rs1064796744, ClinGen allele CA16618204.
Genomic context (GRCh38, chr5:37,051,786, plus strand): 5'-AATAGAGAATTTTTACTACCATGATATCTCGTAATTTTTTTTTTTATTTCCAGTGTGTGC[C>T]ATATTTAATTGCTATGGGCACAGACCCAGAACCTGCTATGCGGAACAAGGCTGATCAGCA-3'
Protein context (NP_597677.2, residues 2311-2331): QGLIHPVQCV[Pro2321Leu]YLIAMGTDPE

ClinVar aggregate classification (germline): Conflicting classifications of pathogenicity. Review status: criteria provided, conflicting classifications (1 of 4 stars). 2 submissions from 2 submitters: Likely pathogenic (1); Uncertain significance (1). Last evaluated 2022-05-23.

Conditions:
Cornelia de Lange syndrome 1 (CDLS1). Also called: Brachmann de Lange syndrome; NIPBL-Related Cornelia de Lange Syndrome; TYPUS DEGENERATIVUS AMSTELODAMENSIS. Identifiers: Orphanet 199, MedGen C4551851, MONDO:0007387, OMIM 122470.

Submissions (2):

Labcorp Genetics (formerly Invitae), Labcorp
Classification: Uncertain significance for Cornelia de Lange syndrome 1. Last evaluated: 2022-05-23. Review status: criteria provided, single submitter. Criteria: Invitae Variant Classification Sherloc (09022015). Collection method: clinical testing. Allele origin: germline.
Comment: This sequence change replaces proline, which is neutral and non-polar, with leucine, which is neutral and non-polar, at codon 2321 of the NIPBL protein (p.Pro2321Leu). This variant is not present in population databases (gnomAD no frequency). This variant has not been reported in the literature in individuals affected with NIPBL-related conditions. ClinVar contains an entry for this variant (Variation ID: 424011). Advanced modeling of protein sequence and biophysical properties (such as structural, functional, and spatial information, amino acid conservation, physicochemical variation, residue mobility, and thermodynamic stability) performed at Invitae indicates that this missense variant is expected to disrupt NIPBL protein function. In summary, the available evidence is currently insufficient to determine the role of this variant in disease. Therefore, it has been classified as a Variant of Uncertain Significance.

GeneDx
Classification: Likely pathogenic. Last evaluated: 2017-03-10. Review status: criteria provided, single submitter. Criteria: GeneDx Variant Classification (06012015). Collection method: clinical testing. Allele origin: germline. Affected: yes.
Comment: The P2321L variant in the NIPBL gene has not been reported previously as a pathogenic variant, nor as a benign variant, to our knowledge. The P2321L variant is not observed in large population cohorts (Lek et al., 2016; 1000 Genomes Consortium et al., 2015; Exome Variant Server). The P2321L variant is a semi-conservative amino acid substitution, which may impact secondary protein structure as these residues differ in some properties. This substitution occurs at a position that is conserved across species. In silico analysis predicts this variant is probably damaging to the protein structure/function. The P2321L variant is a strong candidate for a pathogenic variant.